The following is an entry in ClinVar:

ClinVar aggregate classification (germline): Likely benign (1 of 4 stars; one submission).

Conditions:
Long QT syndrome (LQTS). Identifiers: MedGen C0023976, MeSH D008133, MONDO:0002442. Disease mechanism: loss of function. Inheritance: Various modes of inheritance.

Submission:

All of Us Research Program, National Institutes of Health
Classification: Likely benign for Long QT syndrome. Last evaluated: 2024-04-16. Review status: criteria provided, single submitter. Criteria: ACMG Guidelines, 2015. Collection method: clinical testing. Allele origin: germline. Inheritance: Autosomal dominant inheritance. Observed: 1 variant allele, 1 heterozygote.
Comment: This study involves interpretation of variants in research participants for the purpose of population health screening. Participant phenotype was not available at the time of variant classification. Additional details can be found in publication PMID: 35346344, PMCID: PMC8962531

NM_000238.4(KCNH2):c.1932C>G (p.Val644=)

Gene: KCNH2 (potassium voltage-gated channel subfamily H member 2; minus strand). Cytogenetic location: 7q36.1.
Variant type: single nucleotide variant.
Coding change: c.1932C>G on transcript NM_000238.4 (MANE Select); coding-DNA position 1932, C replaced by G.
Protein change: p.Val644=; no amino-acid change (valine 644 retained).
Molecular consequence: synonymous variant. On other transcripts: non-coding transcript variant (2).
Genome position (GRCh38, 1-based): chr7:150,951,461, G>C on the plus strand (C>G on the coding strand, the complement: KCNH2 is on the minus strand). VCF-style: chr7-150951461-G-C. GRCh37 (hg19) VCF-style: chr7-150648549-G-C.
Other names: c.912C>G, p.Val304= (NM_001204798.2, NM_172057.3); c.1644C>G, p.Val548= (NM_001406753.1, NM_001406756.1); c.1755C>G, p.Val585= (NM_001406755.1); c.1632C>G, p.Val544= (NM_001406757.1); c.1932C>G, p.Val644= (NM_172056.3).
Identifiers: ClinVar variation 3386900 (VCV003386900.1).